The following is an entry in ClinVar:

ClinVar aggregate classification (germline): Conflicting classifications of pathogenicity. Review status: criteria provided, conflicting classifications (1 of 4 stars). 7 submissions from 7 submitters: Uncertain significance (1); Benign (1); Likely benign (5). Last evaluated 2025-10-07.

Conditions:
Juvenile polyposis syndrome (JPS). Identifiers: Orphanet 2929, MedGen C0345893, MONDO:0017380, OMIM 174900.
Hereditary cancer-predisposing syndrome. Also called: Hereditary neoplastic syndrome; Tumor predisposition; Neoplastic Syndromes, Hereditary; Hereditary Cancer Syndrome. Identifiers: Orphanet 140162, MedGen C0027672, MeSH D009386, MONDO:0015356.
Familial thoracic aortic aneurysm and aortic dissection (TAAD). Also called: Thoracic aortic aneurysms and dissections. Identifiers: Orphanet 91387, MedGen C4707243, MONDO:0019625.
Juvenile polyposis/hereditary hemorrhagic telangiectasia syndrome (JPHT). Also called: Juvenile Polyposis Syndrome / Hereditary Hemorrhagic Telangiectasia (JPS/HHT); JP/HHT SYNDROME; JUVENILE POLYPOSIS WITH HEREDITARY HEMORRHAGIC TELANGIECTASIA; POLYPOSIS, GENERALIZED JUVENILE, WITH PULMONARY ARTERIOVENOUS MALFORMATION; TELANGIECTASIA, HEREDITARY HEMORRHAGIC, WITH JUVENILE POLYPOSIS COLI. Identifiers: Orphanet 2929, MedGen C1832942, MONDO:0008278, OMIM 175050.

Allele frequency attached by ClinVar (database versions not stated): gnomAD exomes below 0.00001; ExAC 0.00001; gnomAD 0.00001.

Submissions (7):

Labcorp Genetics (formerly Invitae), Labcorp
Classification: Likely benign for Juvenile polyposis syndrome. Last evaluated: 2025-10-07. Review status: criteria provided, single submitter. Criteria: Invitae Variant Classification Sherloc (09022015). Collection method: clinical testing. Allele origin: germline.

Myriad Genetics, Inc.
Classification: Benign for Juvenile polyposis/hereditary hemorrhagic telangiectasia syndrome. Last evaluated: 2025-03-20. Review status: criteria provided, single submitter. Criteria: Myriad Autosomal Dominant, Autosomal Recessive and X-Linked Classification Criteria (2023). Collection method: clinical testing. Allele origin: unknown.
Comment: This variant is considered benign. This variant is a silent/synonymous amino acid change and it is not expected to impact splicing.

Quest Diagnostics Nichols Institute San Juan Capistrano
Classification: Uncertain significance. Last evaluated: 2023-08-01. Review status: criteria provided, single submitter. Criteria: Quest Diagnostics criteria. Collection method: clinical testing. Allele origin: unknown.
Comment: To the best of our knowledge, this variant has not been reported in individuals with SMAD4-related conditions in the published literature. The frequency of this variant in the general population, 0.000004 (1/251436 chromosomes (Genome Aggregation Database)), is uninformative in the assessment of its pathogenicity. Analysis of this variant using software algorithms for the prediction of the effect of nucleotide changes on splicing yielded predictions that this variant does not affect SMAD4 mRNA splicing . Based on the available information, we are unable to determine the clinical significance of this variant.

Sema4
Classification: Likely benign for Hereditary cancer-predisposing syndrome. Last evaluated: 2021-06-25. Review status: criteria provided, single submitter. Criteria: Sema4 Curation Guidelines. Collection method: curation. Allele origin: germline.

Color Diagnostics, LLC DBA Color Health
Classification: Likely benign for Hereditary cancer-predisposing syndrome. Last evaluated: 2019-09-18. Review status: criteria provided, single submitter. Criteria: ACMG Guidelines, 2015. Collection method: clinical testing. Allele origin: germline.

GeneDx
Classification: Likely benign. Last evaluated: 2017-12-11. Review status: criteria provided, single submitter. Criteria: GeneDx Variant Classification (06012015). Collection method: clinical testing. Allele origin: germline. Affected: yes.
Comment: This variant is considered likely benign or benign based on one or more of the following criteria: it is a conservative change, it occurs at a poorly conserved position in the protein, it is predicted to be benign by multiple in silico algorithms, and/or has population frequency not consistent with disease.

Ambry Genetics
Classification: Likely benign for Hereditary cancer-predisposing syndrome; Familial thoracic aortic aneurysm and aortic dissection. Last evaluated: 2016-12-27. Review status: criteria provided, single submitter. Criteria: Ambry Variant Classification Scheme 2023. Collection method: clinical testing. Allele origin: germline.

NM_005359.6(SMAD4):c.885G>A (p.Pro295=)

Gene: SMAD4 (SMAD family member 4; plus strand). Cytogenetic location: 18q21.2.
Variant type: single nucleotide variant.
Coding change: c.885G>A on transcript NM_005359.6 (MANE Select); coding-DNA position 885, G replaced by A.
Protein change: p.Pro295=; no amino-acid change (proline 295 retained).
Molecular consequence: synonymous variant.
Genome position (GRCh38, 1-based): chr18:51,058,437, G>A. VCF-style: chr18-51058437-G-A. GRCh37 (hg19) VCF-style: chr18-48584807-G-A.
Identifiers: ClinVar variation 484793 (VCV000484793.21), dbSNP rs772028872, ClinGen allele CA8965917.